The following is an entry in ClinVar:

NM_002230.4(JUP):c.263C>G (p.Ala88Gly)

Gene: JUP (junction plakoglobin; minus strand). Cytogenetic location: 17q21.2.
Variant type: single nucleotide variant.
Coding change: c.263C>G on transcript NM_002230.4 (MANE Select); coding-DNA position 263, C replaced by G.
Protein change: p.Ala88Gly; replaces alanine 88 with glycine.
Molecular consequence: missense variant.
Genome position (GRCh38, 1-based): chr17:41,769,623, G>C on the plus strand (C>G on the coding strand, the complement: JUP is on the minus strand). VCF-style: chr17-41769623-G-C. GRCh37 (hg19) VCF-style: chr17-39925875-G-C.
Other names: c.263C>G, p.Ala88Gly (NM_001352773.2, NM_001352774.2, NM_001352775.2 and 3 more transcripts); short protein forms A88G.
Identifiers: ClinVar variation 4786823 (VCV004786823.1).
Genomic context (GRCh38, chr17:41,769,623, plus strand): 5'-CCCTCCACCTGGGTGGCCAGCAGAAGCGAGCTGTCCTCGCCTGACACACCAGGGCACATG[G>C]CCTCCCGCACCCGTTTGGCCCTGGCTGTTGTGGACATCTGGTACTCCAGATCACCTGGGG-3'
Protein context (NP_002221.1, residues 78-98): TTARAKRVRE[Ala88Gly]MCPGVSGEDS

ClinVar aggregate classification (germline): Uncertain significance (1 of 4 stars; one submission).

Conditions:
Arrhythmogenic right ventricular dysplasia 12. Also called: ARRHYTHMOGENIC RIGHT VENTRICULAR DYSPLASIA, FAMILIAL, 12. Identifiers: MedGen C1969081, MONDO:0012684, OMIM 611528.
Naxos disease (NXD). Also called: WOOLLY HAIR, PALMOPLANTAR KERATODERMA, AND CARDIAC ABNORMALITIES; KERATOSIS PALMOPLANTARIS WITH ARRHYTHMOGENIC CARDIOMYOPATHY; MAL DE NAXOS; PALMOPLANTAR KERATODERMA WITH ARRHYTHMOGENIC RIGHT VENTRICULAR CARDIOMYOPATHY AND WOOLLY HAIR; CARDIOMYOPATHY, ARRHYTHMOGENIC RIGHT VENTRICULAR, WITH SKIN, HAIR, AND NAIL ABNORMALITIES. Identifiers: Orphanet 34217, MedGen C1832600, MONDO:0011017, OMIM 601214.

Submission:

Labcorp Genetics (formerly Invitae), Labcorp
Classification: Uncertain significance for Arrhythmogenic right ventricular dysplasia 12; Naxos disease. Last evaluated: 2025-12-02. Review status: criteria provided, single submitter. Criteria: Invitae Variant Classification Sherloc (09022015). Collection method: clinical testing. Allele origin: germline.
Comment: This sequence change replaces alanine, which is neutral and non-polar, with glycine, which is neutral and non-polar, at codon 88 of the JUP protein (p.Ala88Gly). This variant is present in population databases (rs137891946, gnomAD 0.004%). This variant has not been reported in the literature in individuals affected with JUP-related conditions. An algorithm developed to predict the effect of missense changes on protein structure and function (PolyPhen-2) suggests that this variant is likely to be tolerated. Algorithms developed to predict the effect of sequence changes on RNA splicing suggest that this variant may create or strengthen a splice site. In summary, the available evidence is currently insufficient to determine the role of this variant in disease. Therefore, it has been classified as a Variant of Uncertain Significance.